The following is an entry in ClinVar:

NM_014339.7(IL17RA):c.857T>C (p.Phe286Ser)

Gene: IL17RA (interleukin 17 receptor A; plus strand). Cytogenetic location: 22q11.1.
Variant type: single nucleotide variant.
Coding change: c.857T>C on transcript NM_014339.7 (MANE Select); coding-DNA position 857, T replaced by C.
Protein change: p.Phe286Ser; replaces phenylalanine 286 with serine.
Molecular consequence: missense variant.
Genome position (GRCh38, 1-based): chr22:17,104,736, T>C. VCF-style: chr22-17104736-T-C. GRCh37 (hg19) VCF-style: chr22-17585626-T-C.
Other names: c.857T>C, p.Phe286Ser (NM_001289905.2); short protein forms F286S.
Identifiers: ClinVar variation 1353471 (VCV001353471.4), dbSNP rs760515134, ClinGen allele CA410213806.

ClinVar aggregate classification (germline): Uncertain significance (1 of 4 stars; one submission).

Conditions:
Immunodeficiency 51 (IMD51). Also called: CANDIDIASIS, FAMILIAL, 5. Identifiers: Orphanet 1334, MedGen C4310803, MONDO:0013500, OMIM 613953.

Allele frequency attached by ClinVar (database versions not stated): TOPMed below 0.00001; gnomAD 0.00001.
gnomAD v4.1: 3 of 1,613,962 alleles (0.00019%); highest among the groups gnomAD compares: Non-Finnish European, 0.00025%; no homozygotes.

Submission:

Labcorp Genetics (formerly Invitae), Labcorp
Classification: Uncertain significance for Immunodeficiency 51. Last evaluated: 2022-03-07. Review status: criteria provided, single submitter. Criteria: Invitae Variant Classification Sherloc (09022015). Collection method: clinical testing. Allele origin: germline.
Comment: In summary, the available evidence is currently insufficient to determine the role of this variant in disease. Therefore, it has been classified as a Variant of Uncertain Significance. Algorithms developed to predict the effect of missense changes on protein structure and function are either unavailable or do not agree on the potential impact of this missense change (SIFT: "Deleterious"; PolyPhen-2: "Probably Damaging"; Align-GVGD: "Class C0"). This variant has not been reported in the literature in individuals affected with IL17RA-related conditions. This variant is not present in population databases (gnomAD no frequency). This sequence change replaces phenylalanine, which is neutral and non-polar, with serine, which is neutral and polar, at codon 286 of the IL17RA protein (p.Phe286Ser).